The following is an entry in ClinVar:

NM_001136271.3(NKX2-6):c.634G>T (p.Val212Phe)

Gene: NKX2-6 (NK2 homeobox 6; minus strand). Cytogenetic location: 8p21.2.
Variant type: single nucleotide variant.
Coding change: c.634G>T on transcript NM_001136271.3 (MANE Select); coding-DNA position 634, G replaced by T.
Protein change: p.Val212Phe; replaces valine 212 with phenylalanine.
Molecular consequence: missense variant.
Genome position (GRCh38, 1-based): chr8:23,702,723, C>A on the plus strand (G>T on the coding strand, the complement: NKX2-6 is on the minus strand). VCF-style: chr8-23702723-C-A. GRCh37 (hg19) VCF-style: chr8-23560236-C-A.
Other names: short protein forms V212F.
Identifiers: ClinVar variation 3671012 (VCV003671012.2).

ClinVar aggregate classification (germline): Uncertain significance (1 of 4 stars; one submission).

Conditions:
Conotruncal heart malformations (CTHM). Also called: Conotruncal heart malformations, variable. Identifiers: Orphanet 2445, Orphanet 3384, Orphanet 3426, MedGen C1857586, MONDO:0016581, OMIM 217095.

gnomAD v4.1: 4 of 1,551,598 alleles (0.00026%); highest among the groups gnomAD compares: South Asian, 0.0048%; no homozygotes.

Submission:

Labcorp Genetics (formerly Invitae), Labcorp
Classification: Uncertain significance for Conotruncal heart malformations. Last evaluated: 2024-09-16. Review status: criteria provided, single submitter. Criteria: Invitae Variant Classification Sherloc (09022015). Collection method: clinical testing. Allele origin: germline.
Comment: This sequence change replaces valine, which is neutral and non-polar, with phenylalanine, which is neutral and non-polar, at codon 212 of the NKX2-6 protein (p.Val212Phe). This variant is present in population databases (no rsID available, gnomAD 0.009%). This variant has not been reported in the literature in individuals affected with NKX2-6-related conditions. Invitae Evidence Modeling of protein sequence and biophysical properties (such as structural, functional, and spatial information, amino acid conservation, physicochemical variation, residue mobility, and thermodynamic stability) has been performed for this missense variant. However, the output from this modeling did not meet the statistical confidence thresholds required to predict the impact of this variant on NKX2-6 protein function. In summary, the available evidence is currently insufficient to determine the role of this variant in disease. Therefore, it has been classified as a Variant of Uncertain Significance.